The following is an entry in ClinVar:

NM_001378615.1(CC2D2A):c.3056G>A (p.Arg1019Gln)

Genes: CC2D2A (coiled-coil and C2 domain containing 2A; plus strand), FBXL5 (F-box and leucine rich repeat protein 5; minus strand). Cytogenetic location: 4p15.32.
Variant type: single nucleotide variant.
Coding change: c.3056G>A on transcript NM_001378615.1 (MANE Select); coding-DNA position 3056, G replaced by A.
Protein change: p.Arg1019Gln; replaces arginine 1019 with glutamine.
Molecular consequence: missense variant.
Genome position (GRCh38, 1-based): chr4:15,563,396, G>A. VCF-style: chr4-15563396-G-A. GRCh37 (hg19) VCF-style: chr4-15565019-G-A.
Other names: c.3056G>A, p.Arg1019Gln (NM_001080522.2); c.2909G>A, p.Arg970Gln (NM_001378617.1); short protein forms R1019Q, R970Q.
Identifiers: ClinVar variation 988102 (VCV000988102.3), dbSNP rs746926711, ClinGen allele CA2864069.

ClinVar aggregate classification (germline): Uncertain significance. Review status: criteria provided, single submitter (1 of 4 stars). 2 submissions from 2 submitters: Uncertain significance (1). 1 of the submissions does not count toward it. Last evaluated 2021-01-12.

Conditions:
Inborn genetic diseases. Identifiers: MedGen C0950123, MeSH D030342.
Nephronophthisis. Also called: Juvenile Nephronophthisis. Identifiers: Orphanet 655, MedGen C0687120, MONDO:0019005, HP:0000090.

Allele frequency attached by ClinVar (database versions not stated): gnomAD exomes below 0.00001; TOPMed below 0.00001; ExAC 0.00001.
gnomAD v4.1: 4 of 1,607,406 alleles (0.00025%); highest among the groups gnomAD compares: East Asian, 0.0022%; no homozygotes.

Submissions (2):

Ambry Genetics
Classification: Uncertain significance for Inborn genetic diseases. Last evaluated: 2021-01-12. Review status: criteria provided, single submitter. Criteria: Ambry Variant Classification Scheme 2023. Collection method: clinical testing. Allele origin: germline.
Comment: The c.3056G>A (p.R1019Q) alteration is located in exon 25 (coding exon 23) of the CC2D2A gene. This alteration results from a G to A substitution at nucleotide position 3056, causing the arginine (R) at amino acid position 1019 to be replaced by a glutamine (Q). The in silico prediction for the p.R1019Q alteration is inconclusive. Based on insufficient or conflicting evidence, the clinical significance of this alteration remains unclear.

Sydney Genome Diagnostics, Children's Hospital Westmead
Classification: Uncertain significance for Nephronophthisis. Last evaluated: 2019-08-09. Review status: no assertion criteria provided. Collection method: clinical testing. Allele origin: unknown. Affected: yes. Observed: 1 variant allele, 1 compound heterozygote. Not counted in ClinVar's aggregate classification.
Comment: To our knowledge, this variant has not been previously reported in the literature or any disease specific databases to be a disease causing variant. This variant has been reported in the gnomAD browser with a very low allele frequency of 0.0061% in East Asian subpopulation (1 out of 16,336 alleles). In silico analysis of pathogenicity (through Alamut Visual v2.8.1) using PolyPhen2, SIFT and MutationTaster suggested that this variant is pathogenic. However, this analysis alone cannot be used to confirm pathogenicity. This variant is considered to be a variant of uncertain clinical significance (VOUS) according to the ACMG guidelines (Evidence used: PM2, PP3).